The following is an entry in ClinVar:

ClinVar aggregate classification (germline): Conflicting classifications of pathogenicity. Review status: criteria provided, conflicting classifications (1 of 4 stars). 3 submissions from 3 submitters: Likely pathogenic (1); Uncertain significance (1); Likely benign (1). Last evaluated 2024-11-23.

Conditions:
Venous malformation (VM). Identifiers: MedGen C2937220, HP:0012721. Disease mechanism: gain of function.
Cardiovascular phenotype. Identifiers: MedGen CN230736.

Allele frequency attached by ClinVar (database versions not stated): gnomAD 0.00001; TOPMed 0.00001; gnomAD exomes 0.00002; ExAC 0.00005.
gnomAD v4.1: 28 of 1,613,960 alleles (0.0017%); highest among the groups gnomAD compares: Non-Finnish European, 0.0023%; no homozygotes.

Submissions (3):

Ambry Genetics
Classification: Likely benign for Cardiovascular phenotype. Last evaluated: 2024-11-23. Review status: criteria provided, single submitter. Criteria: Ambry Variant Classification Scheme 2023. Collection method: clinical testing. Allele origin: germline.

Practice for Gait Abnormalities, David Pomarino, Competency Network Toe Walking C/o Practice Pomarino
Classification: Likely pathogenic for Venous malformation. Last evaluated: 2019-02-25. Review status: criteria provided, single submitter. Criteria: ACMG Guidelines, 2015. Collection method: clinical testing. Allele origin: unknown. Inheritance: Autosomal dominant inheritance. Affected: yes.
Comment: In this variant the amino acid change affects highly conserved sequence, is variously evaluated in silico, and is very rare in the general population with an allele frequency of less than 0.01%.

CeGaT Center for Human Genetics Tuebingen
Classification: Uncertain significance. Last evaluated: 2019-02-01. Review status: criteria provided, single submitter. Criteria: CeGaT Center For Human Genetics Tuebingen Variant Classification Criteria Version 2. Collection method: clinical testing. Allele origin: germline. Affected: yes. Observed: 1 variant allele.

NM_004444.5(EPHB4):c.1405G>A (p.Val469Ile)

Gene: EPHB4 (EPH receptor B4; minus strand). Cytogenetic location: 7q22.1.
Variant type: single nucleotide variant.
Coding change: c.1405G>A on transcript NM_004444.5 (MANE Select); coding-DNA position 1405, G replaced by A.
Protein change: p.Val469Ile; replaces valine 469 with isoleucine.
Molecular consequence: missense variant.
Genome position (GRCh38, 1-based): chr7:100,818,537, C>T on the plus strand (G>A on the coding strand, the complement: EPHB4 is on the minus strand). VCF-style: chr7-100818537-C-T. GRCh37 (hg19) VCF-style: chr7-100416159-C-T.
Other names: c.1405G>A (NM_004444.4); short protein forms V469I.
Identifiers: ClinVar variation 810150 (VCV000810150.45), dbSNP rs775083333, ClinGen allele CA4393003.